The following is an entry in ClinVar:

ClinVar aggregate classification (germline): Conflicting classifications of pathogenicity. Review status: criteria provided, conflicting classifications (1 of 4 stars). 5 submissions from 5 submitters: Likely pathogenic (2); Uncertain significance (2). 1 of the submissions does not count toward it. Last evaluated 2025-03-04.

Conditions:
Juvenile polyposis syndrome (JPS). Identifiers: Orphanet 2929, MedGen C0345893, MONDO:0017380, OMIM 174900.
Hereditary cancer-predisposing syndrome. Also called: Hereditary neoplastic syndrome; Hereditary Cancer Syndrome; Neoplastic Syndromes, Hereditary; Tumor predisposition. Identifiers: Orphanet 140162, MedGen C0027672, MeSH D009386, MONDO:0015356.
Polyposis syndrome, hereditary mixed, 2. Identifiers: Orphanet 157794, MedGen C1864730, MONDO:0012405, OMIM 610069.

Submissions (5):

Center for Genomic Medicine, Rigshospitalet, Copenhagen University Hospital
Classification: Likely pathogenic. Last evaluated: 2025-03-04. Review status: criteria provided, single submitter. Criteria: ACMG Guidelines, 2015. Collection method: clinical testing. Allele origin: germline.

Ambry Genetics
Classification: Likely pathogenic for Hereditary cancer-predisposing syndrome. Last evaluated: 2025-01-30. Review status: criteria provided, single submitter. Criteria: Ambry Variant Classification Scheme 2023. Collection method: clinical testing. Allele origin: germline.
Comment: The p.T78I variant (also known as c.233C>T), located in coding exon 3 of the BMPR1A gene, results from a C to T substitution at nucleotide position 233. The threonine at codon 78 is replaced by isoleucine, an amino acid with similar properties. This alteration has been reported in multiple individuals with clinical history consistent with Juvenile Polyposis syndrome (JPS) (Howe JR et al. J. Med. Genet., 2004 Jul;41:484-91; Calva-Cerqueira D et al. Clin. Genet., 2009 Jan;75:79-85; Kurland JE et al. J Pediatr Gastroenterol Nutr, 2007 Mar;44:318-25; Huang SC et al. Cancer, 2011 Feb;117:492-500). Functional analysis has shown that while this alteration exhibited protein expression levels greater than wild type, it showed deficient BMP signaling as well as deficient intracellular localization (Howe JR et al. J. Surg. Res., 2013 Oct;184:739-45). This amino acid position is highly conserved in available vertebrate species. In addition, this alteration is predicted to be deleterious by in silico analysis. This variant is considered to be rare based on population cohorts in the Genome Aggregation Database (gnomAD). Based on the majority of available evidence to date, this variant is likely to be pathogenic.

Labcorp Genetics (formerly Invitae), Labcorp
Classification: Uncertain significance for Juvenile polyposis syndrome. Last evaluated: 2022-09-15. Review status: criteria provided, single submitter. Criteria: Invitae Variant Classification Sherloc (09022015). Collection method: clinical testing. Allele origin: germline.
Comment: ClinVar contains an entry for this variant (Variation ID: 418873). Algorithms developed to predict the effect of missense changes on protein structure and function are either unavailable or do not agree on the potential impact of this missense change (SIFT: "Deleterious"; PolyPhen-2: "Probably Damaging"; Align-GVGD: "Class C0"). Experimental studies have shown that this missense change affects BMPR1A function (PMID: 23433720). In summary, the available evidence is currently insufficient to determine the role of this variant in disease. Therefore, it has been classified as a Variant of Uncertain Significance. This missense change has been observed in individual(s) with juvenile polyposis (PMID: 15235019). This sequence change replaces threonine, which is neutral and polar, with isoleucine, which is neutral and non-polar, at codon 78 of the BMPR1A protein (p.Thr78Ile). This variant is not present in population databases (gnomAD no frequency).

GeneDx
Classification: Uncertain significance. Last evaluated: 2015-04-14. Review status: criteria provided, single submitter. Criteria: GeneDx Variant Classification (06012015). Collection method: clinical testing. Allele origin: germline. Affected: yes.
Comment: This variant is denoted BMPR1A c.233C>T at the cDNA level, p.Thr78Ile (T78I) at the protein level, and results in the change of a Threonine to an Isoleucine (ACT>ATT). This variant was observed in multiple individuals with juvenile polyposis syndrome (Howe 2004, Kurland 2007, Calva-Cerqueira 2009, Huang 2011). In addition, in vitro analysis of this variant demonstrated protein expression levels similar to wild type, but deficient signaling and intracellular localization (Howe 2013). BMPR1A Thr78Ile was not observed in approximately 6,500 individuals of European and African American ancestry in the NHLBI Exome Sequencing Project, indicating it is not a common benign variant in these populations. Since Threonine and Isoleucine differ in polarity, charge, size or other properties, this is considered a non-conservative amino acid substitution. BMPR1A Thr78Ile occurs at a position that is conserved across species and is located in the MH1 domain (Howe 2004). In silico analyses predict that this variant is probably damaging to protein structure and function. Based on currently available information, it is unclear whether BMPR1A Thr78Ile is pathogenic or benign. We consider it to be a variant of uncertain significance.

Department of Pathology and Laboratory Medicine, Sinai Health System
Classification: Likely pathogenic for Polyposis syndrome, hereditary mixed, 2. Review status: no assertion criteria provided. Collection method: clinical testing. Allele origin: unknown. Affected: yes. Study: The Canadian Open Genetics Repository (COGR). Not counted in ClinVar's aggregate classification.
Comment: The BMPR1A p.Thr78Ile variant was identified in 3 of 378 proband chromosomes (frequency: 0.008) from individuals or families with juvenile polyposis (Howe 2004, Calva-Cerqueira 2009, Huang 2010). The variant was also identified in dbSNP (ID: rs1064793490) as "With uncertain significance allele", in ClinVar (classified as uncertain significance by GeneDx) and in the LOVD 3.0 database (6x effect unknown). It was not identified in the following control databases: the Exome Aggregation Consortium (August 8th 2016) or the Genome Aggregation Database (Feb 27, 2017). A case report identified the mutation in an individual with juvenile polyposis and predicted the substitution of the amino acid threonine to isoleucine at codon 233 would result in the loss of BMP-mediated intracellular signaling (Kurland 2007). Data from an in vitro model demonstrated that the total level of BMPR1A protein by ELISA was comparable between the wild-type and the missense construct, although the missense construct had reduced bone morphogenetic protein (BMP) pathway signaling activity and demonstrated near-complete intracellular localization compared to the predominant membrane localization of the wild-type (Howe 2013). The p.Thr78 residue is conserved in mammals and computational analyses (PolyPhen-2, SIFT, AlignGVGD, BLOSUM, MutationTaster) provide inconsistent predictions regarding the impact to the protein; this information is not very predictive of pathogenicity. The p.Thr78Ile variant occurs in the first base of the exon; this position has been shown to be part of the splicing consensus sequence and variants involving this position sometimes affect splicing. However, in silico or computational prediction software programs (SpliceSiteFinder, MaxEntScan, NNSPLICE, GeneSplicer) do not predict a difference in splicing. In summary, based on the above information, the clinical significance of this variant cannot be determined with certainty at this time although we would lean towards a more pathogenic role for this variant. This variant is classified as likely pathogenic.

Literature cited by the submitters: PubMed 23433720 (cited by 3 submitters); PubMed 18823382 (cited by Center for Genomic Medicine, Rigshospitalet, Copenhagen University Hospital and Ambry Genetics); PubMed 15235019 (cited by Ambry Genetics and Labcorp Genetics (formerly Invitae), Labcorp); PubMed 17325551 (cited by Ambry Genetics); PubMed 20845481 (cited by Ambry Genetics).

NM_004329.3(BMPR1A):c.233C>T (p.Thr78Ile)

Gene: BMPR1A (bone morphogenetic protein receptor type 1A; plus strand). Cytogenetic location: 10q23.2.
Variant type: single nucleotide variant.
Coding change: c.233C>T on transcript NM_004329.3 (MANE Select); coding-DNA position 233, C replaced by T.
Protein change: p.Thr78Ile; replaces threonine 78 with isoleucine.
Molecular consequence: missense variant.
Genome position (GRCh38, 1-based): chr10:86,892,129, C>T. VCF-style: chr10-86892129-C-T. GRCh37 (hg19) VCF-style: chr10-88651886-C-T.
Other names: short protein forms T78I.
Identifiers: ClinVar variation 418873 (VCV000418873.20), dbSNP rs1064793490, ClinGen allele CA16618999.